The following is an entry in ClinVar:

NM_001367873.1(SOX6):c.580A>C (p.Met194Leu)

Gene: SOX6 (SRY-box transcription factor 6; minus strand). Cytogenetic location: 11p15.2.
Variant type: single nucleotide variant.
Coding change: c.580A>C on transcript NM_001367873.1 (MANE Select); coding-DNA position 580, A replaced by C.
Protein change: p.Met194Leu; replaces methionine 194 with leucine.
Molecular consequence: missense variant.
Genome position (GRCh38, 1-based): chr11:16,186,911, T>G on the plus strand (A>C on the coding strand, the complement: SOX6 is on the minus strand). VCF-style: chr11-16186911-T-G. GRCh37 (hg19) VCF-style: chr11-16208457-T-G.
Other names: c.580A>C, p.Met194Leu (NM_001145811.2, NM_001145819.2, NM_001367872.1 and 2 more transcripts); short protein forms M194L.
Identifiers: ClinVar variation 3383643 (VCV003383643.1).
Genomic context (GRCh38, chr11:16,186,911, plus strand): 5'-TTTTCTGTTCATCATGCGCTGCCAGTAGCTGCTCCCGTAAACTGATCAGCTGGGTAATCA[T>G]GGTGGAGAGCTGCCGTTCTTTTTCTGCCAGGCTCTCAGGTGTACCTAAAATGGAAGCAAG-3'
Protein context (NP_001354802.1, residues 184-204): LAEKERQLST[Met194Leu]ITQLISLREQ

ClinVar aggregate classification (germline): Uncertain significance (1 of 4 stars; one submission).

Submission:

GeneDx
Classification: Uncertain significance. Last evaluated: 2024-05-29. Review status: criteria provided, single submitter. Criteria: GeneDx Variant Classification Process June 2021. Collection method: clinical testing. Allele origin: germline. Affected: yes.
Comment: Not observed at significant frequency in large population cohorts (gnomAD); In silico analysis supports that this missense variant has a deleterious effect on protein structure/function; Has not been previously published as pathogenic or benign to our knowledge